The following is an entry in ClinVar:

NM_014314.4(RIGI):c.151A>G (p.Met51Val)

Gene: RIGI (RNA sensor RIG-I; minus strand). Cytogenetic location: 9p21.1.
Variant type: single nucleotide variant.
Coding change: c.151A>G on transcript NM_014314.4 (MANE Select); coding-DNA position 151, A replaced by G.
Protein change: p.Met51Val; replaces methionine 51 with valine.
Molecular consequence: missense variant. On other transcripts: 5 prime UTR variant (3).
Genome position (GRCh38, 1-based): chr9:32,500,895, T>C on the plus strand (A>G on the coding strand, the complement: RIGI is on the minus strand). VCF-style: chr9-32500895-T-C. GRCh37 (hg19) VCF-style: chr9-32500893-T-C.
Other names: c.151A>G, p.Met51Val (NM_001385907.1, NM_001385909.1, NM_001385913.1); c.-304A>G (NM_001385910.1, NM_001385914.1); c.-311A>G (NM_001385912.1); short protein forms M51V.
Identifiers: ClinVar variation 1007106 (VCV001007106.7), dbSNP rs201116858, ClinGen allele CA5020158.

ClinVar aggregate classification (germline): Uncertain significance (1 of 4 stars; one submission).

Allele frequency attached by ClinVar (database versions not stated): gnomAD 0.00006 and 0.00008; TOPMed 0.00008; gnomAD exomes 0.00010; ExAC 0.00011; 1000 Genomes Project 30x 0.00016; 1000 Genomes Project 0.00020.
gnomAD v4.1: 154 of 1,614,170 alleles (0.0095%); highest among the groups gnomAD compares: East Asian, 0.08%; no homozygotes.

Submission:

Labcorp Genetics (formerly Invitae), Labcorp
Classification: Uncertain significance. Last evaluated: 2026-01-08. Review status: criteria provided, single submitter. Criteria: Invitae Variant Classification Sherloc (09022015). Collection method: clinical testing. Allele origin: germline.
Comment: This sequence change replaces methionine, which is neutral and non-polar, with valine, which is neutral and non-polar, at codon 51 of the DDX58 protein (p.Met51Val). This variant is present in population databases (rs201116858, gnomAD 0.07%), and has an allele count higher than expected for a pathogenic variant. This variant has not been reported in the literature in individuals affected with DDX58-related conditions. ClinVar contains an entry for this variant (Variation ID: 1007106). An algorithm developed to predict the effect of missense changes on protein structure and function outputs the following: PolyPhen-2: "Benign". The valine amino acid residue is found in multiple mammalian species, which suggests that this missense change does not adversely affect protein function. In summary, the available evidence is currently insufficient to determine the role of this variant in disease. Therefore, it has been classified as a Variant of Uncertain Significance.